The following is an entry in ClinVar:

ClinVar aggregate classification (germline): Pathogenic. Review status: criteria provided, multiple submitters, no conflicts (2 of 4 stars). 4 submissions from 4 submitters: Pathogenic (4). Last evaluated 2022-08-18.

Conditions:
DICER1-related tumor predisposition. Also called: DICER1 syndrome; DICER1-related pleuropulmonary blastoma cancer predisposition syndrome. Identifiers: Orphanet 284343, MedGen C3839822, MONDO:0100216.
Hereditary cancer-predisposing syndrome. Also called: Tumor predisposition; Hereditary Cancer Syndrome; Neoplastic Syndromes, Hereditary; Hereditary neoplastic syndrome. Identifiers: Orphanet 140162, MedGen C0027672, MeSH D009386, MONDO:0015356.

Submissions (4):

Labcorp Genetics (formerly Invitae), Labcorp
Classification: Pathogenic for DICER1-related tumor predisposition. Last evaluated: 2022-08-18. Review status: criteria provided, single submitter. Criteria: Invitae Variant Classification Sherloc (09022015). Collection method: clinical testing. Allele origin: germline.
Comment: This sequence change creates a premature translational stop signal (p.Cys1197Alafs*6) in the DICER1 gene. It is expected to result in an absent or disrupted protein product. Loss-of-function variants in DICER1 are known to be pathogenic (PMID: 19556464, 21266384). This variant is not present in population databases (gnomAD no frequency). This premature translational stop signal has been observed in individual(s) with pleuropulmonary blastoma (PMID: 24909177, 26925222). ClinVar contains an entry for this variant (Variation ID: 254325). For these reasons, this variant has been classified as Pathogenic.

Foulkes Cancer Genetics LDI, Lady Davis Institute for Medical Research
Classification: Pathogenic for Pleuropulmonary blastoma. Last evaluated: 2019-07-01. Review status: criteria provided, single submitter. Criteria: ACMG Guidelines, 2015. Collection method: curation. Allele origin: germline. Affected: yes. Observed: 2 variant alleles.
Comment: ACMG criteria met: PVS1, PM2, PP4

Ambry Genetics
Classification: Pathogenic for Hereditary cancer-predisposing syndrome. Last evaluated: 2016-02-26. Review status: criteria provided, single submitter. Criteria: Ambry Variant Classification Scheme 2023. Collection method: clinical testing. Allele origin: germline.
Comment: The c.3589delT pathogenic mutation, located in coding exon 20 of the DICER1 gene, results from a deletion of one nucleotide at nucleotide position 3589, causing a translational frameshift with a predicted alternate stop codon. This pathogenic mutation was previously described in a cohort of children with pleuropulmonary blastoma (Pugh TJ et al. Oncogene 2014 Nov;33(45):5295-302). In addition to the clinical data presented in the literature, this alteration is expected to result in loss of function by premature protein truncation or nonsense-mediated mRNA decay. As such, this alteration is interpreted as a disease-causing mutation.

International Pleuropulmonary Blastoma Registry, Children's Hospitals and Clinics of Minnesota
Classification: Pathogenic for Pleuropulmonary blastoma. Last evaluated: 2014-11-10. Review status: criteria provided, single submitter. Criteria: Hill et al. (Science. 2009). Collection method: clinical testing. Allele origin: germline. Affected: yes. Study: PPB-DICER1 Genetic study.

Literature cited by the submitters: PubMed 19556464 (cited by Labcorp Genetics (formerly Invitae), Labcorp); PubMed 21266384 (cited by Labcorp Genetics (formerly Invitae), Labcorp); PubMed 24909177 (cited by 3 submitters); PubMed 26925222 (cited by 3 submitters).

NM_177438.3(DICER1):c.3589del (p.Cys1197fs)

Gene: DICER1 (dicer 1, ribonuclease III; minus strand). Cytogenetic location: 14q32.13.
Variant type: Deletion.
Coding change: c.3589del on transcript NM_177438.3 (MANE Select); coding-DNA position 3589, one base deleted (T; older notation c.3589delT).
Protein change: p.Cys1197fs; shifts the reading frame from cysteine 1197.
Molecular consequence: frameshift variant.
Genome position (GRCh38, 1-based): chr14:95,103,807, A deleted on the plus strand (T on the coding strand, the reverse complement: DICER1 is on the minus strand); the first of 4 consecutive A bases (chr14:95,103,807-95,103,810); deleting any one gives the same sequence. VCF-style (leftmost placement, unchanged base first): chr14-95103806-CA-C. GRCh37 (hg19) VCF-style: chr14-95570143-CA-C.
Other names: c.3589delT (NM_177438.2); c.3589del, p.Cys1197fs (NM_001195573.1, NM_001271282.3, NM_001291628.2 and 1 more transcripts); short protein forms C1197fs.
Identifiers: ClinVar variation 254325 (VCV000254325.13), dbSNP rs886037706, ClinGen allele CA10586425.
Genomic context (GRCh38, chr14:95,103,806, plus strand): 5'-TATGAGGTAGTTGGTTGCACGGGTATTTCCTGCTTGTAGTAATTTAGCTGATTTCCTTGG[CA>C]AAAGTCTCTGTTAGCTAAATCATAACTGCCATTGGCGAGATTTTGATTGTAAGAAAGACC-3'